The following is an entry in ClinVar:

NM_014727.3(KMT2B):c.6986C>T (p.Pro2329Leu)

Gene: KMT2B (lysine methyltransferase 2B; plus strand). Cytogenetic location: 19q13.12.
Variant type: single nucleotide variant.
Coding change: c.6986C>T on transcript NM_014727.3 (MANE Select); coding-DNA position 6986, C replaced by T.
Protein change: p.Pro2329Leu; replaces proline 2329 with leucine.
Molecular consequence: missense variant.
Genome position (GRCh38, 1-based): chr19:35,733,623, C>T. VCF-style: chr19-35733623-C-T. GRCh37 (hg19) VCF-style: chr19-36224524-C-T.
Other names: short protein forms P2329L.
Identifiers: ClinVar variation 3365841 (VCV003365841.3).

ClinVar aggregate classification (germline): Uncertain significance. Review status: criteria provided, multiple submitters, no conflicts (2 of 4 stars). 2 submissions from 2 submitters: Uncertain significance (2). Last evaluated 2026-08-25.

gnomAD v4.1: 1 of 1,591,174 alleles (0.000063%); highest among the groups gnomAD compares: African/African-American, 0.0013%; no homozygotes.

Submissions (2):

GeneDx
Classification: Uncertain significance. Last evaluated: 2026-08-25. Review status: criteria provided, single submitter. Criteria: GeneDx Variant Classification Process June 2021. Collection method: clinical testing. Allele origin: germline.
Comment: Not observed at significant frequency in large population cohorts (gnomAD); In silico analysis supports that this missense variant has a deleterious effect on protein structure/function; Has not been previously published as pathogenic or benign to our knowledge

Labcorp Genetics (formerly Invitae), Labcorp
Classification: Uncertain significance. Last evaluated: 2025-05-11. Review status: criteria provided, single submitter. Criteria: Invitae Variant Classification Sherloc (09022015). Collection method: clinical testing. Allele origin: germline.
Comment: This sequence change replaces proline, which is neutral and non-polar, with leucine, which is neutral and non-polar, at codon 2329 of the KMT2B protein (p.Pro2329Leu). This variant is not present in population databases (gnomAD no frequency). This variant has not been reported in the literature in individuals affected with KMT2B-related conditions. ClinVar contains an entry for this variant (Variation ID: 3365841). Invitae Evidence Modeling of protein sequence and biophysical properties (such as structural, functional, and spatial information, amino acid conservation, physicochemical variation, residue mobility, and thermodynamic stability) has been performed for this missense variant. However, the output from this modeling did not meet the statistical confidence thresholds required to predict the impact of this variant on KMT2B protein function. In summary, the available evidence is currently insufficient to determine the role of this variant in disease. Therefore, it has been classified as a Variant of Uncertain Significance.